The following is an entry in ClinVar:

ClinVar aggregate classification (germline): Pathogenic (1 of 4 stars; one submission).

Conditions:
Neutral lipid storage myopathy (NLSDM). Also called: NEUTRAL LIPID STORAGE DISEASE WITHOUT ICHTHYOSIS. Identifiers: Orphanet 98908, MedGen C1853136, MONDO:0012545, OMIM 610717.

Submission:

Labcorp Genetics (formerly Invitae), Labcorp
Classification: Pathogenic for Neutral lipid storage myopathy. Last evaluated: 2025-07-11. Review status: criteria provided, single submitter. Criteria: Invitae Variant Classification Sherloc (09022015). Collection method: clinical testing. Allele origin: germline.
Comment: This sequence change creates a premature translational stop signal (p.Trp365*) in the PNPLA2 gene. It is expected to result in an absent or disrupted protein product. Loss-of-function variants in PNPLA2 are known to be pathogenic (PMID: 17187067). This variant is not present in population databases (gnomAD no frequency). This variant has not been reported in the literature in individuals affected with PNPLA2-related conditions. For these reasons, this variant has been classified as Pathogenic.

Literature cited by the submitters: PubMed 17187067.

NM_020376.4(PNPLA2):c.1094G>A (p.Trp365Ter)

Gene: PNPLA2 (patatin like domain 2, triacylglycerol lipase; plus strand). Cytogenetic location: 11p15.5.
Variant type: single nucleotide variant.
Coding change: c.1094G>A on transcript NM_020376.4 (MANE Select); coding-DNA position 1094, G replaced by A.
Protein change: p.Trp365Ter; replaces tryptophan 365 with a stop codon.
Molecular consequence: nonsense.
Genome position (GRCh38, 1-based): chr11:824,355, G>A. VCF-style: chr11-824355-G-A. GRCh37 (hg19) VCF-style: chr11-824355-G-A.
Other names: short protein forms W365*.
Identifiers: ClinVar variation 4748105 (VCV004748105.1).